The following is an entry in ClinVar:

NM_001080517.3(SETD5):c.3635C>G (p.Pro1212Arg)

Gene: SETD5 (SET domain containing 5; plus strand). Cytogenetic location: 3p25.3.
Variant type: single nucleotide variant.
Coding change: c.3635C>G on transcript NM_001080517.3 (MANE Select); coding-DNA position 3635, C replaced by G.
Protein change: p.Pro1212Arg; replaces proline 1212 with arginine.
Molecular consequence: missense variant.
Genome position (GRCh38, 1-based): chr3:9,475,071, C>G. VCF-style: chr3-9475071-C-G. GRCh37 (hg19) VCF-style: chr3-9516755-C-G.
Other names: c.3341C>G, p.Pro1114Arg (NM_001292043.2, NM_001349451.2); short protein forms P1114R, P1212R.
Identifiers: ClinVar variation 1313513 (VCV001313513.2), dbSNP rs557545173, ClinGen allele CA2239759.

ClinVar aggregate classification (germline): Uncertain significance (1 of 4 stars; one submission).

Allele frequency attached by ClinVar (database versions not stated): gnomAD exomes below 0.00001 and 0.00001; TOPMed below 0.00001; gnomAD 0.00001 and 0.00003; ExAC 0.00006; 1000 Genomes Project 0.00040; 1000 Genomes Project 30x 0.00047.
gnomAD v4.1: 11 of 1,581,118 alleles (0.0007%); highest among the groups gnomAD compares: East Asian, 0.023%; no homozygotes.

Submission:

GeneDx
Classification: Uncertain significance. Last evaluated: 2020-11-04. Review status: criteria provided, single submitter. Criteria: GeneDx Variant Classification Process June 2021. Collection method: clinical testing. Allele origin: germline. Affected: yes.
Comment: In silico analysis supports that this missense variant does not alter protein structure/function; Has not been previously published as pathogenic or benign to our knowledge